The following is an entry in ClinVar:

ClinVar aggregate classification (germline): Pathogenic. Review status: reviewed by expert panel (3 of 4 stars). 7 submissions from 7 submitters: Pathogenic (1). 6 of the submissions do not count toward it. Last evaluated 2024-02-02.

Conditions:
F8-related disorder. Also called: F8-related condition.
Hereditary factor VIII deficiency disease (HEMA). Also called: AUTOSOMAL HEMOPHILIA A; Hemophilia A, congenital; HEM A; Factor 8 deficiency, congenital; Hemophilia A; HEMOPHILIA, CLASSIC. Identifiers: Orphanet 98878, MedGen C0019069, MONDO:0010602, OMIM 306700.

Allele frequency attached by ClinVar (database versions not stated): TOPMed 0.00001; gnomAD 0.00002; gnomAD exomes 0.00001.
gnomAD v4.1: 8 of 1,209,300 alleles (0.00066%); highest among the groups gnomAD compares: South Asian, 0.0018%; no homozygotes.

Submissions (7):

ClinGen Coagulation Factor Deficiency Variant Curation Expert Panel, Clingen
Classification: Pathogenic for Hereditary factor VIII deficiency disease. Last evaluated: 2024-02-02. Review status: reviewed by expert panel. Criteria: ClinGen CoagFactor ACMG Specifications F8 V1.0.0. Collection method: curation. Allele origin: germline. Inheritance: X-linked inheritance.
Comment: The c.2215G>A (p.Glu739Lys) missense variant is absent from males in both gnomAD v2.1.1 and v3.1.1, meeting the PM2_Supporting criteria. The variant has a REVEL score of 0.614 (>0.6), meeting PP3 criteria. At least 13 patients with mild hemophilia A are reported in the literature and internal laboratory data meeting F8 phenotype criteria (PMID: 24452774, 23711237, 21166991, 8547094, 16972227), which meets the PS4_Very strong and PP4_Moderate criteria. This variant has been labeled as an inverse discrepant variant, where the one-stage assays show lower factor VIII levels than the two-stage, or chromogenic, assays (EAHAD database; PMID: 32232366). There were multiple related individuals across 6 different families reported that were genotyped, but their specific relation was not stated, so the PP1 was capped at the moderate weight to be conservative (PMID: 24452774). In-vitro assays in COS-1 cells show FVIII-Glu739Lys results in lower FVIII:C in the mild range, as observed in patients with this variant and hemophilia A (PMID: 30997536). In summary, this variant meets criteria to be classified as pathogenic. ACMG/AMP criteria applied, as specified by the Coagulation Factor Deficiency Variant Curation Expert Panel for F8: PS4_Very strong, PS3, PP1_Moderate, PP4_Moderate, PP3, PM2_Supporting.

GeneDx
Classification: Pathogenic. Last evaluated: 2026-04-20. Review status: criteria provided, single submitter. Criteria: GeneDx Variant Classification Process June 2021. Collection method: clinical testing. Allele origin: germline. Not counted in ClinVar's aggregate classification.
Comment: Published functional studies demonstrate a damaging effect and an increase in clotting time (PMID: 30997536); E739K is considered an inverse discrepant variant, where the one-stage assays show lower factor VIII levels than the two-stage chromogenic assays (PMID: 24452774, 21166991); Not observed at significant frequency in large population cohorts (gnomAD); In silico analysis suggests that this missense variant does not alter protein structure/function; This variant is associated with the following publications: (PMID: 23711237, 19473423, 36007526, 16972227, 36833187, 24452774, 21166991, 7728145, 8547094, 30997536, 38759975)

Dasa
Classification: Pathogenic. Last evaluated: 2025-12-12. Review status: criteria provided, single submitter. Criteria: DASA Assertion Criteria. Collection method: clinical testing. Allele origin: germline. Not counted in ClinVar's aggregate classification.
Comment: NM_000132.4(F8):c.2215G>A (p.Glu739Lys) is a missense variant that results in the substitution of glutamic acid with lysine. This variant has been reported in individuals with F8-related disorders (PMID: 24452774). Segregation data support an association with disease in the reported family/families (PMID: 24452774). Functional evidence supports an impact on the gene or gene product (PMID: 30997536; PMID: 24452774; PMID: 23711237; PMID: 21166991; PMID: 8547094). Also, this variant is rare in population databases. Computational evidence supports a deleterious effect. Based on the currently available evidence, this variant is classified as pathogenic.

PreventionGenetics, part of Exact Sciences
Classification: Pathogenic for F8-related condition. Last evaluated: 2025-11-10. Review status: criteria provided, single submitter. Criteria: ACMG Guidelines, 2015. Collection method: clinical testing. Allele origin: germline. Not counted in ClinVar's aggregate classification.
Comment: The F8 c.2215G>A variant is predicted to result in the amino acid substitution p.Glu739Lys. This variant (aka. p.Glu720Lys) has been reported in multiple individuals with hemophilia A (Schwaab et al. 1995. PubMed ID: 8547094; Factor VIII (F8) Gene Variant Database). This variant is reported in 0.0092% of alleles in individuals of European (Non-Finnish) descent in gnomAD. This variant is interpreted as pathogenic.

Myriad Genetics, Inc.
Classification: Pathogenic for Hereditary factor VIII deficiency disease. Last evaluated: 2025-01-30. Review status: criteria provided, single submitter. Criteria: Myriad Autosomal Dominant, Autosomal Recessive and X-Linked Classification Criteria (2023). Collection method: clinical testing. Allele origin: unknown. Not counted in ClinVar's aggregate classification.
Comment: NM_000132.3(F8):c.2215G>A(E739K) is a missense variant classified as pathogenic in the context of hemophilia A. E739K has been observed in cases with relevant disease (PMID: 23711237, 29296726, 24452774, 2166991). Relevant functional assessments of this variant are not available in the literature. E739K has not been observed in referenced population frequency databases. In summary, NM_000132.3(F8):c.2215G>A(E739K) is a missense variant that has been observed more frequently in cases with the relevant disease than in healthy populations. Please note: this variant was assessed in the context of healthy population screening.

Juno Genomics, Hangzhou Juno Genomics, Inc
Classification: Pathogenic for Hereditary factor VIII deficiency disease. Review status: criteria provided, single submitter. Criteria: ACMG Guidelines, 2015. Collection method: clinical testing. Allele origin: germline. Not counted in ClinVar's aggregate classification.
Comment: The prevalence of the variant in affected individuals is significantly increased compared to the prevalence in controls.;Patient's phenotype or family history is highly specific for a disease with a single genetic etiology.;Well-established in vitro or in vivo functional studies supportive of a damaging effect on the gene or gene product.

OMIM
Classification: Pathogenic for HEMOPHILIA A. Last evaluated: 1995-01-01. Review status: no assertion criteria provided. Collection method: literature only. Allele origin: germline. Not counted in ClinVar's aggregate classification.

Literature cited by the submitters: PubMed 30997536 (cited by Dasa); PubMed 24452774 (cited by Dasa and Myriad Genetics, Inc.); PubMed 23711237 (cited by Dasa and Myriad Genetics, Inc.); PubMed 21166991 (cited by Dasa); PubMed 8547094 (cited by Dasa); PubMed 16972227 (cited by Dasa); PubMed 29296726 (cited by Dasa and Myriad Genetics, Inc.); PubMed 2166991 (cited by Myriad Genetics, Inc.); PubMed 7728145 (cited by OMIM).

NM_000132.4(F8):c.2215G>A (p.Glu739Lys)

Gene: F8 (coagulation factor VIII; minus strand). Cytogenetic location: Xq28.
Variant type: single nucleotide variant.
Coding change: c.2215G>A on transcript NM_000132.4 (MANE Select); coding-DNA position 2215, G replaced by A.
Protein change: p.Glu739Lys; replaces glutamic acid 739 with lysine.
Molecular consequence: missense variant.
Genome position (GRCh38, 1-based): chrX:154,931,575, C>T on the plus strand (G>A on the coding strand, the complement: F8 is on the minus strand). VCF-style: chrX-154931575-C-T. GRCh37 (hg19) VCF-style: chrX-154159850-C-T.
Other names: F8, GLU720LYS; E720K; NM_000132.3(F8):c.2215G>A; c.2215G>A (NM_000132.3); short protein forms E739K.
Identifiers: ClinVar variation 10247 (VCV000010247.10), dbSNP rs28937285, ClinGen allele CA255139.
Genomic context (GRCh38, chrX:154,931,575, plus strand): 5'-TTGGTTCAATGGCATTGTTTTTACTCAGCAAGTATGCTGAAATATCTTCATAACTGTCCT[C>T]GTAATAATCACCAGTGTTCTTGTCACAACTAGAAACCTTCAGTAAGGCGGTCATGCCTCT-3'
Protein context (NP_000123.1, residues 729-749): SCDKNTGDYY[Glu739Lys]DSYEDISAYL